The following is an entry in ClinVar:

GRCh37/hg19 8q23.3-24.22(chr8:112234557-133668379)x1

Genes: AARD (alanine and arginine rich domain containing protein; plus strand), ADCY8 (adenylate cyclase 8; minus strand), ANXA13 (annexin A13; minus strand), ASAP1 (ArfGAP with SH3 domain, ankyrin repeat and PH domain 1; minus strand), ASAP1-IT1 (ASAP1 intronic transcript 1; minus strand) and 60 more. Cytogenetic location: 8q23.3-24.22.
Variant type: copy number loss.
Change: copy number 1 (one copy instead of two) of chr8:112,234,557-133,668,379 (21.43 Mb, GRCh37 coordinates, 1-based), cytogenetic band 8q23.3-24.22.
Identifiers: ClinVar variation 1808708 (VCV001808708.1).

ClinVar aggregate classification (germline): Pathogenic (1 of 4 stars; one submission).

Submission:

Quest Diagnostics Nichols Institute San Juan Capistrano
Classification: Pathogenic. Last evaluated: 2022-06-18. Review status: criteria provided, single submitter. Criteria: ACMG/ClinGen CNV Guidelines, 2019. Collection method: clinical testing. Allele origin: unknown.
Comment: This imbalance is expected to cause phenotypic and/or developmental abnormalities. This deletion of 8q23.3q24.22 involves multiple genes including TRPS1 (OMIM 604386), RAD21 (OMIM 606462), and EXT1 (OMIM 608177), among others. This deletion includes the region associated with autosomal dominant trichorhinophalangeal syndrome type II (TRPS2), also known as the Langer-Giedion syndrome (OMIM 150230). Haploinsufficiency of the TRPS1 gene alone is associated with trichorhinophalangeal syndrome type I (OMIM 190350). When the deletion encompasses both the TRPS1 and EXT1 genes it results in trichorhinophalangeal syndrome type II (TRPS2; OMIM 150230), which is a contiguous gene deletion syndrome, and it combines the clinical features of trichorhinophalangeal syndrome type I and multiple exostoses type I (OMIM 133700). In addition, deletions of the RAD21 gene have been associated with autosomal dominant Cornelia de Lange syndrome-4 with or without midline brain defects (CDLS4; OMIM 614701). Please see GeneReviews for a review and additional references (available from an online resource). Based on the size and gene content of the current deletion the clinical significance is interpreted as pathogenic.